The following is an entry in ClinVar:

NM_003001.5(SDHC):c.433A>G (p.Ile145Val)

Gene: SDHC (succinate dehydrogenase complex subunit C; plus strand). Cytogenetic location: 1q23.3.
Variant type: single nucleotide variant.
Coding change: c.433A>G on transcript NM_003001.5 (MANE Select); coding-DNA position 433, A replaced by G.
Protein change: p.Ile145Val; replaces isoleucine 145 with valine.
Molecular consequence: missense variant. On other transcripts: non-coding transcript variant (1).
Genome position (GRCh38, 1-based): chr1:161,362,356, A>G. VCF-style: chr1-161362356-A-G. GRCh37 (hg19) VCF-style: chr1-161332146-A-G.
Other names: c.269A>G, p.Asp90Gly (NM_001035511.3); c.331A>G, p.Ile111Val (NM_001035512.3); c.274A>G, p.Ile92Val (NM_001035513.3); c.167A>G, p.Asp56Gly (NM_001278172.3); c.553A>G, p.Ile185Val (NM_001407115.1); c.376A>G, p.Ile126Val (NM_001407116.1); c.370A>G, p.Ile124Val (NM_001407117.1); c.325A>G, p.Ile109Val (NM_001407118.1); and 2 more; short protein forms D71G, D90G, I124V, I126V, I145V, I92V, I108V, D56G.
Identifiers: ClinVar variation 5029290 (VCV005029290.1).

ClinVar aggregate classification (germline): Uncertain significance (1 of 4 stars; one submission).

Conditions:
Hereditary cancer-predisposing syndrome. Also called: Neoplastic Syndromes, Hereditary; Tumor predisposition; Hereditary neoplastic syndrome; Hereditary Cancer Syndrome. Identifiers: Orphanet 140162, MedGen C0027672, MeSH D009386, MONDO:0015356.

Submission:

Ambry Genetics
Classification: Uncertain significance for Hereditary cancer-predisposing syndrome. Last evaluated: 2026-06-22. Review status: criteria provided, single submitter. Criteria: Ambry Variant Classification Scheme 2023. Collection method: clinical testing. Allele origin: germline.
Comment: The p.I145V variant (also known as c.433A>G), located in coding exon 6 of the SDHC gene, results from an A to G substitution at nucleotide position 433. The isoleucine at codon 145 is replaced by valine, an amino acid with highly similar properties. This amino acid position is well conserved in available vertebrate species. In addition, this alteration is predicted to be deleterious by in silico analysis. Based on the available evidence, the clinical significance of this variant remains unclear.